The following is an entry in ClinVar:

ClinVar aggregate classification (germline): Pathogenic (1 of 4 stars; one submission).

Submission:

Labcorp Genetics (formerly Invitae), Labcorp
Classification: Pathogenic. Last evaluated: 2020-03-31. Review status: criteria provided, single submitter. Criteria: Invitae Variant Classification Sherloc (09022015). Collection method: clinical testing. Allele origin: germline.
Comment: For these reasons, this variant has been classified as Pathogenic. Loss-of-function variants in ZMIZ1 are known to be pathogenic (PMID: 30639322). This variant has not been reported in the literature in individuals with ZMIZ1-related conditions. This variant is not present in population databases (ExAC no frequency). This sequence change creates a premature translational stop signal (p.Pro273Leufs*42) in the ZMIZ1 gene. It is expected to result in an absent or disrupted protein product.

Literature cited by the submitters: PubMed 30639322.

NM_020338.4(ZMIZ1):c.816del (p.Pro273fs)

Gene: ZMIZ1 (zinc finger MIZ-type containing 1; plus strand). Cytogenetic location: 10q22.3.
Variant type: Deletion.
Coding change: c.816del on transcript NM_020338.4 (MANE Select); coding-DNA position 816, one base deleted (G; older notation c.816delG).
Protein change: p.Pro273fs; shifts the reading frame from proline 273.
Molecular consequence: frameshift variant.
Genome position (GRCh38, 1-based): chr10:79,292,215, G deleted. VCF-style (leftmost placement, unchanged base first): chr10-79292214-CG-C. GRCh37 (hg19) VCF-style: chr10-81051971-CG-C.
Other names: short protein forms P273fs.
Identifiers: ClinVar variation 1071555 (VCV001071555.7), dbSNP rs2132032860, ClinGen allele CA2499220399.